The following is an entry in ClinVar:

ClinVar aggregate classification (germline): Uncertain significance. Review status: criteria provided, multiple submitters, no conflicts (2 of 4 stars). 2 submissions from 2 submitters: Uncertain significance (2). Last evaluated 2024-03-02.

Conditions:
Cryopyrin associated periodic syndrome (CAPS). Identifiers: Orphanet 208650, MedGen C2316212, MONDO:0016168.

Allele frequency attached by ClinVar (database versions not stated): TOPMed below 0.00001; ExAC 0.00001; gnomAD 0.00001; ESP Exome Variant Server 0.00008.
gnomAD v4.1: 2 of 1,614,118 alleles (0.00012%); highest among the groups gnomAD compares: Non-Finnish European, 0.00017%; no homozygotes.

Submissions (2):

Labcorp Genetics (formerly Invitae), Labcorp
Classification: Uncertain significance for Cryopyrin associated periodic syndrome. Last evaluated: 2024-03-02. Review status: criteria provided, single submitter. Criteria: Invitae Variant Classification Sherloc (09022015). Collection method: clinical testing. Allele origin: germline.
Comment: This sequence change replaces alanine, which is neutral and non-polar, with aspartic acid, which is acidic and polar, at codon 809 of the NLRP3 protein (p.Ala809Asp). This variant is present in population databases (rs143438018, gnomAD 0.0009%). This variant has not been reported in the literature in individuals affected with NLRP3-related conditions. Advanced modeling of protein sequence and biophysical properties (such as structural, functional, and spatial information, amino acid conservation, physicochemical variation, residue mobility, and thermodynamic stability) performed at Invitae indicates that this missense variant is not expected to disrupt NLRP3 protein function with a negative predictive value of 95%. In summary, the available evidence is currently insufficient to determine the role of this variant in disease. Therefore, it has been classified as a Variant of Uncertain Significance.

Blueprint Genetics
Classification: Uncertain significance. Last evaluated: 2021-09-30. Review status: criteria provided, single submitter. Criteria: ACMG Guidelines, 2015. Collection method: clinical testing. Allele origin: germline.

NM_001243133.2(NLRP3):c.2420C>A (p.Ala807Asp)

Gene: NLRP3 (NLR family pyrin domain containing 3; plus strand). Cytogenetic location: 1q44.
Variant type: single nucleotide variant.
Coding change: c.2420C>A on transcript NM_001243133.2 (MANE Select); coding-DNA position 2420, C replaced by A.
Protein change: p.Ala807Asp; replaces alanine 807 with aspartic acid.
Molecular consequence: missense variant.
Genome position (GRCh38, 1-based): chr1:247,434,201, C>A. VCF-style: chr1-247434201-C-A. GRCh37 (hg19) VCF-style: chr1-247597503-C-A.
Other names: c.2420C>A, p.Ala807Asp (NM_001079821.3, NM_001127461.3); c.2249C>A, p.Ala750Asp (NM_001127462.3, NM_183395.3); c.2426C>A, p.Ala809Asp (NM_004895.5); short protein forms A750D, A807D, A809D.
Identifiers: ClinVar variation 2996996 (VCV002996996.4), dbSNP rs143438018, ClinGen allele CA1495235.
Genomic context (GRCh38, chr1:247,434,201, plus strand): 5'-ACATCTCCTTGGTCCTCAGCAGCAACCAGAAGCTGGTGGAGCTGGACCTGAGTGACAACG[C>A]CCTCGGTGACTTCGGAATCAGACTTCTGTGTGTGGGACTGAAGCACCTGTTGTGCAATCT-3'
Protein context (NP_001230062.1, residues 797-817): KLVELDLSDN[Ala807Asp]LGDFGIRLLC